The following is an entry in ClinVar:

ClinVar aggregate classification (germline): Uncertain significance (1 of 4 stars; one submission).

Conditions:
Hereditary cancer-predisposing syndrome. Also called: Hereditary Cancer Syndrome; Hereditary neoplastic syndrome; Neoplastic Syndromes, Hereditary; Tumor predisposition. Identifiers: Orphanet 140162, MedGen C0027672, MeSH D009386, MONDO:0015356.

Submission:

Ambry Genetics
Classification: Uncertain significance for Hereditary cancer-predisposing syndrome. Last evaluated: 2021-02-23. Review status: criteria provided, single submitter. Criteria: Ambry Variant Classification Scheme 2023. Collection method: clinical testing. Allele origin: germline.
Comment: The p.V152G variant (also known as c.455T>G), located in coding exon 3 of the CTNNA1 gene, results from a T to G substitution at nucleotide position 455. The valine at codon 152 is replaced by glycine, an amino acid with dissimilar properties. This amino acid position is well conserved in available vertebrate species. In addition, this alteration is predicted to be tolerated by in silico analysis. Since supporting evidence is limited at this time, the clinical significance of this alteration remains unclear.

NM_001903.5(CTNNA1):c.455T>G (p.Val152Gly)

Gene: CTNNA1 (catenin alpha 1; plus strand). Cytogenetic location: 5q31.2.
Variant type: single nucleotide variant.
Coding change: c.455T>G on transcript NM_001903.5 (MANE Select); coding-DNA position 455, T replaced by G.
Protein change: p.Val152Gly; replaces valine 152 with glycine.
Molecular consequence: missense variant.
Genome position (GRCh38, 1-based): chr5:138,810,191, T>G. VCF-style: chr5-138810191-T-G. GRCh37 (hg19) VCF-style: chr5-138145880-T-G.
Other names: c.455T>G, p.Val152Gly (NM_001290307.3, NM_001323982.2, NM_001323983.1 and 3 more transcripts); c.146T>G, p.Val49Gly (NM_001290309.3); c.86T>G, p.Val29Gly (NM_001290310.3); short protein forms V152G, V49G, V29G.
Identifiers: ClinVar variation 1741489 (VCV001741489.2), dbSNP rs2532331268, ClinGen allele CA361123713.